The following is an entry in ClinVar:

ClinVar aggregate classification (germline): Uncertain significance. Review status: criteria provided, multiple submitters, no conflicts (2 of 4 stars). 3 submissions from 3 submitters: Uncertain significance (2). 1 of the submissions does not count toward it. Last evaluated 2025-06-12.

Conditions:
Inborn genetic diseases. Identifiers: MedGen C0950123, MeSH D030342.
ROBO1-related disorder. Also called: ROBO1-related condition.

Allele frequency attached by ClinVar (database versions not stated): TOPMed 0.00002; gnomAD 0.00004; ExAC 0.00005.
gnomAD v4.1: 43 of 1,576,322 alleles (0.0027%); highest among the groups gnomAD compares: Admixed American, 0.011%; no homozygotes.

Submissions (3):

Labcorp Genetics (formerly Invitae), Labcorp
Classification: Uncertain significance. Last evaluated: 2025-06-12. Review status: criteria provided, single submitter. Criteria: Invitae Variant Classification Sherloc (09022015). Collection method: clinical testing. Allele origin: germline.
Comment: This sequence change replaces arginine, which is basic and polar, with glutamine, which is neutral and polar, at codon 458 of the ROBO1 protein (p.Arg458Gln). This variant is present in population databases (rs199821932, gnomAD 0.007%). This variant has not been reported in the literature in individuals affected with ROBO1-related conditions. ClinVar contains an entry for this variant (Variation ID: 1941317). Invitae Evidence Modeling of protein sequence and biophysical properties (such as structural, functional, and spatial information, amino acid conservation, physicochemical variation, residue mobility, and thermodynamic stability) indicates that this missense variant is not expected to disrupt ROBO1 protein function with a negative predictive value of 95%. In summary, the available evidence is currently insufficient to determine the role of this variant in disease. Therefore, it has been classified as a Variant of Uncertain Significance.

Ambry Genetics
Classification: Uncertain significance for Inborn genetic diseases. Last evaluated: 2025-04-15. Review status: criteria provided, single submitter. Criteria: Ambry Variant Classification Scheme 2023. Collection method: clinical testing. Allele origin: germline.

PreventionGenetics, part of Exact Sciences
Classification: Uncertain significance for ROBO1-related condition. Last evaluated: 2023-12-05. Review status: no assertion criteria provided. Collection method: clinical testing. Allele origin: germline. Not counted in ClinVar's aggregate classification.
Comment: The ROBO1 c.1373G>A variant is predicted to result in the amino acid substitution p.Arg458Gln. To our knowledge, this variant has not been reported in the literature. This variant is reported in 0.0071% of alleles in individuals of Latino descent in gnomAD. At this time, the clinical significance of this variant is uncertain due to the absence of conclusive functional and genetic evidence.

NM_002941.4(ROBO1):c.1373G>A (p.Arg458Gln)

Gene: ROBO1 (roundabout guidance receptor 1; minus strand). Cytogenetic location: 3p12.3.
Variant type: single nucleotide variant.
Coding change: c.1373G>A on transcript NM_002941.4 (MANE Select); coding-DNA position 1373, G replaced by A.
Protein change: p.Arg458Gln; replaces arginine 458 with glutamine.
Molecular consequence: missense variant.
Genome position (GRCh38, 1-based): chr3:78,670,271, C>T on the plus strand (G>A on the coding strand, the complement: ROBO1 is on the minus strand). VCF-style: chr3-78670271-C-T. GRCh37 (hg19) VCF-style: chr3-78719421-C-T.
Other names: c.1373G>A (NM_002941.3); c.1265G>A, p.Arg422Gln (NM_001145844.1, NM_001145845.2, NM_133631.4); short protein forms R422Q, R458Q.
Identifiers: ClinVar variation 1941317 (VCV001941317.8), dbSNP rs199821932, ClinGen allele CA2498972.